The following is an entry in ClinVar:

NM_014845.6(FIG4):c.2199A>G (p.Glu733=)

Gene: FIG4 (FIG4 phosphoinositide 5-phosphatase; plus strand). Cytogenetic location: 6q21.
Variant type: single nucleotide variant.
Coding change: c.2199A>G on transcript NM_014845.6 (MANE Select); coding-DNA position 2199, A replaced by G.
Protein change: p.Glu733=; no amino-acid change (glutamic acid 733 retained).
Molecular consequence: synonymous variant.
Genome position (GRCh38, 1-based): chr6:109,791,394, A>G. VCF-style: chr6-109791394-A-G. GRCh37 (hg19) VCF-style: chr6-110112597-A-G.
Identifiers: ClinVar variation 414269 (VCV000414269.13), dbSNP rs537464083, ClinGen allele CA3956322.

ClinVar aggregate classification (germline): Likely benign. Review status: criteria provided, multiple submitters, no conflicts (2 of 4 stars). 6 submissions from 6 submitters: Likely benign (5). 1 of the submissions does not count toward it. Last evaluated 2026-05-21.

Conditions:
FIG4-related disorder. Also called: FIG4-related condition; FIG4-related disorders.
Inborn genetic diseases. Identifiers: MedGen C0950123, MeSH D030342.
Charcot-Marie-Tooth disease type 4. Also called: Charcot-Marie-Tooth disease, type IV; Charcot-Marie-Tooth, Type 4. Identifiers: Orphanet 64749, MedGen C4082197, MONDO:0018995.

Allele frequency attached by ClinVar (database versions not stated): gnomAD exomes 0.00003 and 0.00004; gnomAD 0.00004; ExAC 0.00005; TOPMed 0.00006; 1000 Genomes Project 30x 0.00016; 1000 Genomes Project 0.00020.
gnomAD v4.1: 45 of 1,613,172 alleles (0.0028%); highest among the groups gnomAD compares: Non-Finnish European, 0.0036%; no homozygotes.

Submissions (6):

Women's Health and Genetics/Laboratory Corporation of America, LabCorp
Classification: Likely benign. Last evaluated: 2026-05-21. Review status: criteria provided, single submitter. Criteria: LabCorp Variant Classification Summary - May 2015. Collection method: clinical testing. Allele origin: germline.

Labcorp Genetics (formerly Invitae), Labcorp
Classification: Likely benign for Charcot-Marie-Tooth disease type 4. Last evaluated: 2025-12-09. Review status: criteria provided, single submitter. Criteria: Invitae Variant Classification Sherloc (09022015). Collection method: clinical testing. Allele origin: germline.

Ambry Genetics
Classification: Likely benign for Inborn genetic diseases. Last evaluated: 2025-03-14. Review status: criteria provided, single submitter. Criteria: Ambry Variant Classification Scheme 2023. Collection method: clinical testing. Allele origin: germline.

Blueprint Genetics
Classification: Likely benign. Last evaluated: 2024-10-24. Review status: criteria provided, single submitter. Criteria: ACMG Guidelines, 2015. Collection method: clinical testing. Allele origin: germline.

GeneDx
Classification: Likely benign. Last evaluated: 2017-06-28. Review status: criteria provided, single submitter. Criteria: GeneDx Variant Classification (06012015). Collection method: clinical testing. Allele origin: germline. Affected: yes.
Comment: This variant is considered likely benign or benign based on one or more of the following criteria: it is a conservative change, it occurs at a poorly conserved position in the protein, it is predicted to be benign by multiple in silico algorithms, and/or has population frequency not consistent with disease.

PreventionGenetics, part of Exact Sciences
Classification: Likely benign for FIG4-related condition. Last evaluated: 2024-03-23. Review status: no assertion criteria provided. Collection method: clinical testing. Allele origin: germline. Not counted in ClinVar's aggregate classification.
Comment: This variant is classified as likely benign based on ACMG/AMP sequence variant interpretation guidelines (Richards et al. 2015 PMID: 25741868, with internal and published modifications).